The following is an entry in ClinVar:

NM_001199805.1(KLRC4-KLRK1):c.-364A>G

Genes: KLRC4 (killer cell lectin like receptor C4; minus strand), KLRC4-KLRK1 (KLRC4-KLRK1 readthrough; minus strand). Cytogenetic location: 12p13.2.
Variant type: single nucleotide variant.
Coding change: c.-364A>G on transcript NM_001199805.1; 364 bases upstream of the start codon, A replaced by G.
Molecular consequence: 5 prime UTR variant. On other transcripts: missense variant (1).
Genome position (GRCh38, 1-based): chr12:10,408,358, T>C on the plus strand (A>G on the coding strand, the complement: KLRC4-KLRK1 is on the minus strand). VCF-style: chr12-10408358-T-C. GRCh37 (hg19) VCF-style: chr12-10560957-T-C.
Other names: c.311A>G, p.Asn104Ser (NM_013431.2); short protein forms N104S.
Identifiers: ClinVar variation 1273274 (VCV001273274.2), dbSNP rs2617170, ClinGen allele CA6445286.

ClinVar aggregate classification (germline): Benign. Review status: criteria provided, multiple submitters, no conflicts (2 of 4 stars). 2 submissions from 2 submitters: Benign (2). Last evaluated 2019-08-23.

Allele frequency attached by ClinVar (database versions not stated): 1000 Genomes Project 0.55671; 1000 Genomes Project 30x 0.56324; TOPMed 0.60373; gnomAD 0.60997 and 0.60999; ESP Exome Variant Server 0.61051; gnomAD exomes 0.62759 and 0.65475; ExAC 0.63061.

Submissions (2):

GeneDx
Classification: Benign. Last evaluated: 2019-08-23. Review status: criteria provided, single submitter. Criteria: GeneDx Variant Classification Process June 2021. Collection method: clinical testing. Allele origin: germline. Affected: yes.
Comment: This variant is associated with the following publications: (PMID: 23291587, 25203601)

Breakthrough Genomics
Classification: Benign. Review status: criteria provided, single submitter. Criteria: ACMG Guidelines, 2015. Collection method: not provided. Allele origin: germline. Inheritance: Unknown mechanism. Affected: yes.